The following is an entry in ClinVar:

NM_000138.5(FBN1):c.3282A>G (p.Glu1094=)

Gene: FBN1 (fibrillin 1; minus strand). Cytogenetic location: 15q21.1.
Variant type: single nucleotide variant.
Coding change: c.3282A>G on transcript NM_000138.5 (MANE Select); coding-DNA position 3282, A replaced by G.
Protein change: p.Glu1094=; no amino-acid change (glutamic acid 1094 retained).
Molecular consequence: synonymous variant.
Genome position (GRCh38, 1-based): chr15:48,488,168, T>C on the plus strand (A>G on the coding strand, the complement: FBN1 is on the minus strand). VCF-style: chr15-48488168-T-C. GRCh37 (hg19) VCF-style: chr15-48780365-T-C.
Identifiers: ClinVar variation 1245782 (VCV001245782.4), dbSNP rs773891478, ClinGen allele CA050252.

ClinVar aggregate classification (germline): Likely benign. Review status: criteria provided, single submitter (1 of 4 stars). 2 submissions from 2 submitters: Likely benign (1). 1 of the submissions does not count toward it. Last evaluated 2019-11-21.

Conditions:
FBN1-related disorder. Also called: FBN1-related disorders.

Allele frequency attached by ClinVar (database versions not stated): gnomAD 0.00001; gnomAD exomes below 0.00001; TOPMed below 0.00001; ExAC 0.00001.
gnomAD v4.1: 1 of 1,614,104 alleles (0.000062%); highest among the groups gnomAD compares: Non-Finnish European, 0.000085%; no homozygotes.

Submissions (2):

GeneDx
Classification: Likely benign. Last evaluated: 2019-11-21. Review status: criteria provided, single submitter. Criteria: GeneDx Variant Classification Process June 2021. Collection method: clinical testing. Allele origin: germline. Affected: yes.

PreventionGenetics, part of Exact Sciences
Classification: Likely benign for FBN1-related condition. Last evaluated: 2023-05-15. Review status: no assertion criteria provided. Collection method: clinical testing. Allele origin: germline. Not counted in ClinVar's aggregate classification.
Comment: This variant is classified as likely benign based on ACMG/AMP sequence variant interpretation guidelines (Richards et al. 2015 PMID: 25741868, with internal and published modifications).